The following is an entry in ClinVar:

NM_020975.6(RET):c.3274A>T (p.Asn1092Tyr)

Gene: RET (ret proto-oncogene; plus strand). Cytogenetic location: 10q11.21.
Variant type: single nucleotide variant.
Coding change: c.3274A>T on transcript NM_020975.6 (MANE Select); coding-DNA position 3274, A replaced by T.
Protein change: p.Asn1092Tyr; replaces asparagine 1092 with tyrosine.
Molecular consequence: missense variant.
Genome position (GRCh38, 1-based): chr10:43,128,198, A>T. VCF-style: chr10-43128198-A-T. GRCh37 (hg19) VCF-style: chr10-43623646-A-T.
Other names: c.3274A>T, p.Asn1092Tyr (NM_000323.2, NM_001406743.1); c.*1444A>T (NM_001355216.2, NM_001406764.1, NM_001406765.1 and 15 more transcripts); c.3214A>T, p.Asn1072Tyr (NM_001406759.1, NM_001406760.1); c.3145A>T, p.Asn1049Tyr (NM_001406761.1, NM_001406762.1); c.3139A>T, p.Asn1047Tyr (NM_001406763.1); c.2986A>T, p.Asn996Tyr (NM_001406766.1, NM_001406767.1); c.2878A>T, p.Asn960Tyr (NM_001406769.1); c.2836A>T, p.Asn946Tyr (NM_001406771.1); and 7 more; short protein forms N850Y, N996Y, N1072Y, N589Y, N960Y, N1047Y, N1049Y, N750Y.
Identifiers: ClinVar variation 1729653 (VCV001729653.2), dbSNP rs2538662034, ClinGen allele CA376559089.
Genomic context (GRCh38, chr10:43,128,198, plus strand): 5'-GAGAGTCCTGTACCACTCACGAGAGCTGATGGCACTAACACTGGGTTTCCAAGATATCCA[A>T]ATGATAGTGTATATGCTAACTGGATGCTTTCACCCTCAGCGGCAAAATTAATGGACACGT-3'
Protein context (NP_066124.1, residues 1082-1102): GTNTGFPRYP[Asn1092Tyr]DSVYANWMLS

ClinVar aggregate classification (germline): Uncertain significance (1 of 4 stars; one submission).

Conditions:
Hereditary cancer-predisposing syndrome. Also called: Neoplastic Syndromes, Hereditary; Tumor predisposition; Hereditary Cancer Syndrome; Hereditary neoplastic syndrome. Identifiers: Orphanet 140162, MedGen C0027672, MeSH D009386, MONDO:0015356.

Submission:

Ambry Genetics
Classification: Uncertain significance for Hereditary cancer-predisposing syndrome. Last evaluated: 2020-09-30. Review status: criteria provided, single submitter. Criteria: Ambry Variant Classification Scheme 2023. Collection method: clinical testing. Allele origin: germline.
Comment: The p.N1092Y variant (also known as c.3274A>T), located in coding exon 20 of the RET gene, results from an A to T substitution at nucleotide position 3274. The asparagine at codon 1092 is replaced by tyrosine, an amino acid with dissimilar properties. This amino acid position is highly conserved in available vertebrate species. In addition, the in silico prediction for this alteration is inconclusive. Since supporting evidence is limited at this time, the clinical significance of this alteration remains unclear.